The following is an entry in ClinVar:

NM_012452.3(TNFRSF13B):c.395A>G (p.Asn132Ser)

Gene: TNFRSF13B (TNF receptor superfamily member 13B; minus strand). Cytogenetic location: 17p11.2.
Variant type: single nucleotide variant.
Coding change: c.395A>G on transcript NM_012452.3 (MANE Select); coding-DNA position 395, A replaced by G.
Protein change: p.Asn132Ser; replaces asparagine 132 with serine.
Molecular consequence: missense variant.
Genome position (GRCh38, 1-based): chr17:16,948,788, T>C on the plus strand (A>G on the coding strand, the complement: TNFRSF13B is on the minus strand). VCF-style: chr17-16948788-T-C. GRCh37 (hg19) VCF-style: chr17-16852102-T-C.
Other names: short protein forms N132S.
Identifiers: ClinVar variation 2234174 (VCV002234174.5), dbSNP rs1357778684, ClinGen allele CA398519836.

ClinVar aggregate classification (germline): Uncertain significance. Review status: criteria provided, multiple submitters, no conflicts (2 of 4 stars). 2 submissions from 2 submitters: Uncertain significance (2). Last evaluated 2024-10-16.

Conditions:
Inborn genetic diseases. Identifiers: MedGen C0950123, MeSH D030342.
Immunodeficiency, common variable, 2 (CVID2). Also called: ANTIBODY DEFICIENCY DUE TO TACI DEFECT; HYPOGAMMAGLOBULINEMIA DUE TO TACI DEFICIENCY. Identifiers: Orphanet 1572, MedGen C3150354, MONDO:0009413, OMIM 240500.

Allele frequency attached by ClinVar (database versions not stated): gnomAD exomes below 0.00001.

Submissions (2):

Labcorp Genetics (formerly Invitae), Labcorp
Classification: Uncertain significance for Immunodeficiency, common variable, 2. Last evaluated: 2024-10-16. Review status: criteria provided, single submitter. Criteria: Invitae Variant Classification Sherloc (09022015). Collection method: clinical testing. Allele origin: germline.
Comment: This sequence change replaces asparagine, which is neutral and polar, with serine, which is neutral and polar, at codon 132 of the TNFRSF13B protein (p.Asn132Ser). This variant is present in population databases (no rsID available, gnomAD 0.003%). This variant has not been reported in the literature in individuals affected with TNFRSF13B-related conditions. ClinVar contains an entry for this variant (Variation ID: 2234174). Invitae Evidence Modeling of protein sequence and biophysical properties (such as structural, functional, and spatial information, amino acid conservation, physicochemical variation, residue mobility, and thermodynamic stability) indicates that this missense variant is not expected to disrupt TNFRSF13B protein function with a negative predictive value of 95%. In summary, the available evidence is currently insufficient to determine the role of this variant in disease. Therefore, it has been classified as a Variant of Uncertain Significance.

Ambry Genetics
Classification: Uncertain significance for Inborn genetic diseases. Last evaluated: 2021-06-22. Review status: criteria provided, single submitter. Criteria: Ambry Variant Classification Scheme 2023. Collection method: clinical testing. Allele origin: germline.